The following is an entry in ClinVar:

NM_001042545.2(LTBP4):c.3776C>A (p.Pro1259Gln)

Gene: LTBP4 (latent transforming growth factor beta binding protein 4; plus strand). Cytogenetic location: 19q13.2.
Variant type: single nucleotide variant.
Coding change: c.3776C>A on transcript NM_001042545.2 (MANE Select); coding-DNA position 3776, C replaced by A.
Protein change: p.Pro1259Gln; replaces proline 1259 with glutamine.
Molecular consequence: missense variant.
Genome position (GRCh38, 1-based): chr19:40,624,026, C>A. VCF-style: chr19-40624026-C-A. GRCh37 (hg19) VCF-style: chr19-41129931-C-A.
Other names: c.3977C>A, p.Pro1326Gln (NM_001042544.1); c.3866C>A, p.Pro1289Gln (NM_003573.2); short protein forms P1259Q, P1289Q, P1326Q.
Identifiers: ClinVar variation 432930 (VCV000432930.2), dbSNP rs778231525, ClinGen allele CA9449126.

ClinVar aggregate classification (germline): Uncertain significance (1 of 4 stars; one submission).

Allele frequency attached by ClinVar (database versions not stated): gnomAD exomes 0.00005; ExAC 0.00008.
gnomAD v4.1: 40 of 1,608,010 alleles (0.0025%); highest among the groups gnomAD compares: South Asian, 0.042%; no homozygotes.

Submission:

GeneDx
Classification: Uncertain significance. Last evaluated: 2017-06-28. Review status: criteria provided, single submitter. Criteria: GeneDx Variant Classification (06012015). Collection method: clinical testing. Allele origin: germline. Affected: yes.
Comment: The P1289Q variant in the LTBP4 gene has not been reported previously as a pathogenic variant, nor as a benign variant, to our knowledge. The P1289Q variant is observed in 7/12,738 (0.055%) alleles from individuals of South Asian background, with no homozygous individuals reported, in the ExAC dataset (Lek et al., 2016). The P1289Q variant is a non-conservative amino acid substitution, which is likely to impact secondary protein structure as these residues differ in polarity, charge, size and/or other properties. This substitution occurs at a position that is conserved across species, and in silico analysis predicts this variant is probably damaging to the protein structure/function. We interpret P1289Q as a variant of uncertain significance.